The following is an entry in ClinVar:

NM_020207.7(ERCC6L2):c.599T>G (p.Phe200Cys)

Gene: ERCC6L2 (ERCC excision repair 6 like 2; plus strand). Cytogenetic location: 9q22.32.
Variant type: single nucleotide variant.
Coding change: c.599T>G on transcript NM_020207.7 (MANE Select); coding-DNA position 599, T replaced by G.
Protein change: p.Phe200Cys; replaces phenylalanine 200 with cysteine.
Molecular consequence: missense variant. On other transcripts: non-coding transcript variant (1).
Genome position (GRCh38, 1-based): chr9:95,907,082, T>G. VCF-style: chr9-95907082-T-G. GRCh37 (hg19) VCF-style: chr9-98669364-T-G.
Other names: c.599T>G, p.Phe200Cys (NM_001010895.4, NM_001375291.1, NM_001375292.1 and 2 more transcripts); short protein forms F200C.
Identifiers: ClinVar variation 1519054 (VCV001519054.6), dbSNP rs61748989, ClinGen allele CA374120797.

ClinVar aggregate classification (germline): Uncertain significance. Review status: criteria provided, multiple submitters, no conflicts (2 of 4 stars). 2 submissions from 2 submitters: Uncertain significance (2). Last evaluated 2025-06-03.

Conditions:
Inborn genetic diseases. Identifiers: MedGen C0950123, MeSH D030342.

gnomAD v4.1: 1 of 1,596,332 alleles (0.000063%); highest among the groups gnomAD compares: Non-Finnish European, 0.000085%; no homozygotes.

Submissions (2):

Ambry Genetics
Classification: Uncertain significance for Inborn genetic diseases. Last evaluated: 2025-06-03. Review status: criteria provided, single submitter. Criteria: Ambry Variant Classification Scheme 2023. Collection method: clinical testing. Allele origin: germline.
Comment: The p.F200C variant (also known as c.599T>G), located in coding exon 4 of the ERCC6L2 gene, results from a T to G substitution at nucleotide position 599. The phenylalanine at codon 200 is replaced by cysteine, an amino acid with highly dissimilar properties. This amino acid position is conserved. In addition, this alteration is predicted to be deleterious by in silico analysis. Based on the available evidence, the clinical significance of this variant remains unclear.

Labcorp Genetics (formerly Invitae), Labcorp
Classification: Uncertain significance. Last evaluated: 2024-10-21. Review status: criteria provided, single submitter. Criteria: Invitae Variant Classification Sherloc (09022015). Collection method: clinical testing. Allele origin: germline.
Comment: This sequence change replaces phenylalanine, which is neutral and non-polar, with cysteine, which is neutral and slightly polar, at codon 211 of the ERCC6L2 protein (p.Phe211Cys). This variant is not present in population databases (gnomAD no frequency). This variant has not been reported in the literature in individuals affected with ERCC6L2-related conditions. ClinVar contains an entry for this variant (Variation ID: 1519054). Experimental studies and prediction algorithms are not available or were not evaluated, and the functional significance of this variant is currently unknown. In summary, the available evidence is currently insufficient to determine the role of this variant in disease. Therefore, it has been classified as a Variant of Uncertain Significance.